The following is an entry in ClinVar:

ClinVar aggregate classification (germline): Uncertain significance (1 of 4 stars; one submission).

Conditions:
Primary ciliary dyskinesia. Also called: Ciliary dyskinesia. Identifiers: Orphanet 244, MedGen C0008780, MONDO:0016575, HP:0012265.

Allele frequency attached by ClinVar (database versions not stated): gnomAD 0.00001; gnomAD exomes 0.00001; TOPMed 0.00001.

Submission:

Labcorp Genetics (formerly Invitae), Labcorp
Classification: Uncertain significance for Primary ciliary dyskinesia. Last evaluated: 2022-07-05. Review status: criteria provided, single submitter. Criteria: Invitae Variant Classification Sherloc (09022015). Collection method: clinical testing. Allele origin: germline.
Comment: This sequence change replaces glycine, which is neutral and non-polar, with serine, which is neutral and polar, at codon 56 of the CCNO protein (p.Gly56Ser). This variant is not present in population databases (gnomAD no frequency). In summary, the available evidence is currently insufficient to determine the role of this variant in disease. Therefore, it has been classified as a Variant of Uncertain Significance. Algorithms developed to predict the effect of missense changes on protein structure and function are either unavailable or do not agree on the potential impact of this missense change (SIFT: "Tolerated"; PolyPhen-2: "Probably Damaging"; Align-GVGD: "Class C0"). ClinVar contains an entry for this variant (Variation ID: 570940). This variant has not been reported in the literature in individuals affected with CCNO-related conditions.

NM_021147.5(CCNO):c.166G>A (p.Gly56Ser)

Gene: CCNO (cyclin O; minus strand). Cytogenetic location: 5q11.2.
Variant type: single nucleotide variant.
Coding change: c.166G>A on transcript NM_021147.5 (MANE Select); coding-DNA position 166, G replaced by A.
Protein change: p.Gly56Ser; replaces glycine 56 with serine.
Molecular consequence: missense variant. On other transcripts: non-coding transcript variant (2).
Genome position (GRCh38, 1-based): chr5:55,233,358, C>T on the plus strand (G>A on the coding strand, the complement: CCNO is on the minus strand). VCF-style: chr5-55233358-C-T. GRCh37 (hg19) VCF-style: chr5-54529186-C-T.
Other names: short protein forms G56S.
Identifiers: ClinVar variation 570940 (VCV000570940.11), dbSNP rs1489774896, ClinGen allele CA359725269.